The following is an entry in ClinVar:

NM_000823.4(GHRHR):c.328G>A (p.Val110Met)

Gene: GHRHR (growth hormone releasing hormone receptor; plus strand). Cytogenetic location: 7p14.3.
Variant type: single nucleotide variant.
Coding change: c.328G>A on transcript NM_000823.4 (MANE Select); coding-DNA position 328, G replaced by A.
Protein change: p.Val110Met; replaces valine 110 with methionine.
Molecular consequence: missense variant.
Genome position (GRCh38, 1-based): chr7:30,969,926, G>A. VCF-style: chr7-30969926-G-A. GRCh37 (hg19) VCF-style: chr7-31009541-G-A.
Other names: short protein forms V110M.
Identifiers: ClinVar variation 1397396 (VCV001397396.9), dbSNP rs149024880, ClinGen allele CA4208497.

ClinVar aggregate classification (germline): Uncertain significance. Review status: criteria provided, multiple submitters, no conflicts (2 of 4 stars). 2 submissions from 2 submitters: Uncertain significance (2). Last evaluated 2024-10-29.

Allele frequency attached by ClinVar (database versions not stated): gnomAD 0.00001; TOPMed 0.00001; gnomAD exomes 0.00002 and 0.00006; ESP Exome Variant Server 0.00008; ExAC 0.00012.
gnomAD v4.1: 32 of 1,545,216 alleles (0.0021%); highest among the groups gnomAD compares: Non-Finnish European, 0.0025%; no homozygotes.

Submissions (2):

Labcorp Genetics (formerly Invitae), Labcorp
Classification: Uncertain significance. Last evaluated: 2024-10-29. Review status: criteria provided, single submitter. Criteria: Invitae Variant Classification Sherloc (09022015). Collection method: clinical testing. Allele origin: germline.
Comment: This sequence change replaces valine, which is neutral and non-polar, with methionine, which is neutral and non-polar, at codon 110 of the GHRHR protein (p.Val110Met). This variant is present in population databases (rs149024880, gnomAD 0.01%). This variant has not been reported in the literature in individuals affected with GHRHR-related conditions. ClinVar contains an entry for this variant (Variation ID: 1397396). Invitae Evidence Modeling of protein sequence and biophysical properties (such as structural, functional, and spatial information, amino acid conservation, physicochemical variation, residue mobility, and thermodynamic stability) indicates that this missense variant is not expected to disrupt GHRHR protein function with a negative predictive value of 80%. In summary, the available evidence is currently insufficient to determine the role of this variant in disease. Therefore, it has been classified as a Variant of Uncertain Significance.

Blueprint Genetics
Classification: Uncertain significance. Last evaluated: 2019-10-18. Review status: criteria provided, single submitter. Criteria: ACMG Guidelines, 2015. Collection method: clinical testing. Allele origin: germline.